The following is an entry in ClinVar:

NM_003482.4(KMT2D):c.13997G>A (p.Arg4666Lys)

Gene: KMT2D (lysine methyltransferase 2D; minus strand). Cytogenetic location: 12q13.12.
Variant type: single nucleotide variant.
Coding change: c.13997G>A on transcript NM_003482.4 (MANE Select); coding-DNA position 13997, G replaced by A.
Protein change: p.Arg4666Lys; replaces arginine 4666 with lysine.
Molecular consequence: missense variant.
Genome position (GRCh38, 1-based): chr12:49,030,282, C>T on the plus strand (G>A on the coding strand, the complement: KMT2D is on the minus strand). VCF-style: chr12-49030282-C-T. GRCh37 (hg19) VCF-style: chr12-49424065-C-T.
Other names: short protein forms R4666K.
Identifiers: ClinVar variation 2748305 (VCV002748305.3), dbSNP rs1044422721, ClinGen allele CA384700105.

ClinVar aggregate classification (germline): Uncertain significance (1 of 4 stars; one submission).

Conditions:
Kabuki syndrome. Also called: NIIKAWA-KUROKI SYNDROME; Kabuki make-up syndrome. Identifiers: Orphanet 2322, MedGen C0796004, MONDO:0016512.

gnomAD v4.1: 4 of 1,599,614 alleles (0.00025%); highest among the groups gnomAD compares: South Asian, 0.0034%; no homozygotes.

Submission:

Labcorp Genetics (formerly Invitae), Labcorp
Classification: Uncertain significance for Kabuki syndrome. Last evaluated: 2023-05-23. Review status: criteria provided, single submitter. Criteria: Invitae Variant Classification Sherloc (09022015). Collection method: clinical testing. Allele origin: germline.
Comment: This sequence change replaces arginine, which is basic and polar, with lysine, which is basic and polar, at codon 4666 of the KMT2D protein (p.Arg4666Lys). This variant is not present in population databases (gnomAD no frequency). This variant has not been reported in the literature in individuals affected with KMT2D-related conditions. Algorithms developed to predict the effect of missense changes on protein structure and function output the following: SIFT: "Not Available"; PolyPhen-2: "Not Available"; Align-GVGD: "Not Available". The lysine amino acid residue is found in multiple mammalian species, which suggests that this missense change does not adversely affect protein function. In summary, the available evidence is currently insufficient to determine the role of this variant in disease. Therefore, it has been classified as a Variant of Uncertain Significance.